The following is an entry in ClinVar:

NM_016642.4(SPTBN5):c.8082G>C (p.Val2694=)

Gene: SPTBN5 (spectrin beta, non-erythrocytic 5; minus strand). Cytogenetic location: 15q15.1.
Variant type: single nucleotide variant.
Coding change: c.8082G>C on transcript NM_016642.4 (MANE Select); coding-DNA position 8082, G replaced by C.
Protein change: p.Val2694=; no amino-acid change (valine 2694 retained).
Molecular consequence: synonymous variant.
Genome position (GRCh38, 1-based): chr15:41,858,746, C>G on the plus strand (G>C on the coding strand, the complement: SPTBN5 is on the minus strand). VCF-style: chr15-41858746-C-G. GRCh37 (hg19) VCF-style: chr15-42150944-C-G.
Identifiers: ClinVar variation 3058726 (VCV003058726.2), dbSNP rs370332806, ClinGen allele CA7501980.

ClinVar aggregate classification (germline): Likely benign (0 of 4 stars; one submission).

Conditions:
SPTBN5-related disorder. Also called: SPTBN5-related condition.

Allele frequency attached by ClinVar (database versions not stated): ExAC 0.00006; TOPMed 0.00011; gnomAD 0.00015; ESP Exome Variant Server 0.00016; 1000 Genomes Project 30x 0.00062; 1000 Genomes Project 0.00080.
gnomAD v4.1: 48 of 1,609,110 alleles (0.003%); highest among the groups gnomAD compares: African/African-American, 0.049%; no homozygotes.

Submission:

PreventionGenetics, part of Exact Sciences
Classification: Likely benign for SPTBN5-related condition. Last evaluated: 2019-04-10. Review status: no assertion criteria provided. Collection method: clinical testing. Allele origin: germline.
Comment: This variant is classified as likely benign based on ACMG/AMP sequence variant interpretation guidelines (Richards et al. 2015 PMID: 25741868, with internal and published modifications).